The following is an entry in ClinVar:

NM_000329.3(RPE65):c.308T>C (p.Phe103Ser)

Gene: RPE65 (retinoid isomerohydrolase RPE65; minus strand). Cytogenetic location: 1p31.3.
Variant type: single nucleotide variant.
Coding change: c.308T>C on transcript NM_000329.3 (MANE Select); coding-DNA position 308, T replaced by C.
Protein change: p.Phe103Ser; replaces phenylalanine 103 with serine.
Molecular consequence: missense variant.
Genome position (GRCh38, 1-based): chr1:68,444,821, A>G on the plus strand (T>C on the coding strand, the complement: RPE65 is on the minus strand). VCF-style: chr1-68444821-A-G. GRCh37 (hg19) VCF-style: chr1-68910504-A-G.
Other names: short protein forms F103S.
Identifiers: ClinVar variation 970624 (VCV000970624.9), dbSNP rs1645930469, ClinGen allele CA340748279.

ClinVar aggregate classification (germline): Uncertain significance (1 of 4 stars; one submission).

Conditions:
Leber congenital amaurosis 2 (LCA2). Also called: Autosomal Recessive RPE65-Related Retinal Degeneration; AMAUROSIS CONGENITA OF LEBER II. Identifiers: Orphanet 65, MedGen C1859844, MONDO:0008765, OMIM 204100. Disease mechanism: loss of function.
Retinitis pigmentosa 20 (RP20). Identifiers: Orphanet 791, MedGen C3151086, MONDO:0013425, OMIM 613794.

Allele frequency attached by ClinVar (database versions not stated): gnomAD exomes below 0.00001.
gnomAD v4.1: 1 of 1,614,078 alleles (0.000062%); highest among the groups gnomAD compares: Non-Finnish European, 0.000085%; no homozygotes.

Submission:

Labcorp Genetics (formerly Invitae), Labcorp
Classification: Uncertain significance for Leber congenital amaurosis 2; Retinitis pigmentosa 20. Last evaluated: 2023-09-27. Review status: criteria provided, single submitter. Criteria: Invitae Variant Classification Sherloc (09022015). Collection method: clinical testing. Allele origin: germline.
Comment: This variant is not present in population databases (gnomAD no frequency). This sequence change replaces phenylalanine, which is neutral and non-polar, with serine, which is neutral and polar, at codon 103 of the RPE65 protein (p.Phe103Ser). This missense change has been observed in individual(s) with retinitis pigmentosa (Invitae). In summary, the available evidence is currently insufficient to determine the role of this variant in disease. Therefore, it has been classified as a Variant of Uncertain Significance. Advanced modeling of protein sequence and biophysical properties (such as structural, functional, and spatial information, amino acid conservation, physicochemical variation, residue mobility, and thermodynamic stability) performed at Invitae indicates that this missense variant is expected to disrupt RPE65 protein function. ClinVar contains an entry for this variant (Variation ID: 970624).